The following is an entry in ClinVar:

NM_207361.6(FREM2):c.9019C>T (p.Arg3007Ter)

Gene: FREM2 (FRAS1 related extracellular matrix 2; plus strand). Cytogenetic location: 13q13.3.
Variant type: single nucleotide variant.
Coding change: c.9019C>T on transcript NM_207361.6 (MANE Select); coding-DNA position 9019, C replaced by T.
Protein change: p.Arg3007Ter; replaces arginine 3007 with a stop codon.
Molecular consequence: nonsense.
Genome position (GRCh38, 1-based): chr13:38,880,296, C>T. VCF-style: chr13-38880296-C-T. GRCh37 (hg19) VCF-style: chr13-39454433-C-T.
Other names: short protein forms R3007*.
Identifiers: ClinVar variation 1705208 (VCV001705208.5), dbSNP rs1242415839, ClinGen allele CA387909787.
Genomic context (GRCh38, chr13:38,880,296, plus strand): 5'-TTGACATGGTATCTAGTATTTCCTAATAAATAGAGTTGTGCTTTCTAGGTCGCTCTAGGC[C>T]GAGAATGGTATATACATACGATCTATACAGTGAGATCGAAAGACAATGCCAATCGAGGTA-3'

ClinVar aggregate classification (germline): Conflicting classifications of pathogenicity. Review status: criteria provided, conflicting classifications (1 of 4 stars). 3 submissions from 3 submitters: Likely pathogenic (1); Uncertain significance (2). Last evaluated 2024-04-27.

Conditions:
Fraser syndrome 2 (FRASRS2). Identifiers: MedGen C4540036, MONDO:0054738, OMIM 617666.
Isolated cryptophthalmia. Also called: Cryptophthalmos, unilateral or bilateral, isolated; ANKYLOBLEPHARON, SIMPLE. Identifiers: Orphanet 91396, MedGen C1852453, MONDO:0007410, OMIM 123570.

Allele frequency attached by ClinVar (database versions not stated): gnomAD 0.00002; TOPMed 0.00002.
gnomAD v4.1: 9 of 1,613,362 alleles (0.00056%); highest among the groups gnomAD compares: African/African-American, 0.004%; no homozygotes.

Submissions (3):

Fulgent Genetics
Classification: Likely pathogenic for Isolated cryptophthalmia; Fraser syndrome 2. Last evaluated: 2024-04-27. Review status: criteria provided, single submitter. Criteria: ACMG Guidelines, 2015. Collection method: clinical testing. Allele origin: germline.

Women's Health and Genetics/Laboratory Corporation of America, LabCorp
Classification: Uncertain significance. Last evaluated: 2022-08-25. Review status: criteria provided, single submitter. Criteria: LabCorp Variant Classification Summary - May 2015. Collection method: clinical testing. Allele origin: germline.
Comment: Variant summary: FREM2 c.9019C>T (p.Arg3007X) is located in the last exon and results in a premature termination codon, predicted to cause a truncation of the encoded protein. The variant was absent in 251152 control chromosomes (gnomAD). The available data on variant occurrences in the general population are insufficient to allow any conclusion about variant significance. To our knowledge, no occurrence of c.9019C>T in individuals affected with Cryptophthalmos Syndrome and no experimental evidence demonstrating its impact on protein function have been reported. No clinical diagnostic laboratories have submitted clinical-significance assessments for this variant to ClinVar after 2014. Based on the evidence outlined above, the variant was classified as uncertain significance.

Revvity Omics, Revvity
Classification: Uncertain significance. Last evaluated: 2022-06-20. Review status: criteria provided, single submitter. Criteria: ACMG Guidelines, 2015. Collection method: clinical testing. Allele origin: germline.